The following is an entry in ClinVar:

NM_022167.4(XYLT2):c.62C>T (p.Ala21Val)

Genes: XYLT2 (xylosyltransferase 2; plus strand), LOC130061160 (ATAC-STARR-seq lymphoblastoid silent region 8695; plus strand). Cytogenetic location: 17q21.33.
Variant type: single nucleotide variant.
Coding change: c.62C>T on transcript NM_022167.4 (MANE Select); coding-DNA position 62, C replaced by T.
Protein change: p.Ala21Val; replaces alanine 21 with valine.
Molecular consequence: missense variant.
Genome position (GRCh38, 1-based): chr17:50,346,202, C>T. VCF-style: chr17-50346202-C-T. GRCh37 (hg19) VCF-style: chr17-48423563-C-T.
Other names: short protein forms A21V.
Identifiers: ClinVar variation 1389133 (VCV001389133.4), dbSNP rs1269599748, ClinGen allele CA400189981.

ClinVar aggregate classification (germline): Uncertain significance. Review status: criteria provided, multiple submitters, no conflicts (2 of 4 stars). 2 submissions from 2 submitters: Uncertain significance (2). Last evaluated 2025-09-10.

Conditions:
Inborn genetic diseases. Identifiers: MedGen C0950123, MeSH D030342.

Allele frequency attached by ClinVar (database versions not stated): gnomAD 0.00002; TOPMed 0.00002.

Submissions (2):

Ambry Genetics
Classification: Uncertain significance for Inborn genetic diseases. Last evaluated: 2025-09-10. Review status: criteria provided, single submitter. Criteria: Ambry Variant Classification Scheme 2023. Collection method: clinical testing. Allele origin: germline.

Labcorp Genetics (formerly Invitae), Labcorp
Classification: Uncertain significance. Last evaluated: 2022-07-06. Review status: criteria provided, single submitter. Criteria: Invitae Variant Classification Sherloc (09022015). Collection method: clinical testing. Allele origin: germline.
Comment: This sequence change replaces alanine, which is neutral and non-polar, with valine, which is neutral and non-polar, at codon 21 of the XYLT2 protein (p.Ala21Val). This variant is present in population databases (no rsID available, gnomAD 0.002%). This variant has not been reported in the literature in individuals affected with XYLT2-related conditions. ClinVar contains an entry for this variant (Variation ID: 1389133). Algorithms developed to predict the effect of missense changes on protein structure and function are either unavailable or do not agree on the potential impact of this missense change (SIFT: "Tolerated"; PolyPhen-2: "Probably Damaging"; Align-GVGD: "Class C0"). Algorithms developed to predict the effect of sequence changes on RNA splicing suggest that this variant may create or strengthen a splice site. In summary, the available evidence is currently insufficient to determine the role of this variant in disease. Therefore, it has been classified as a Variant of Uncertain Significance.